The following is an entry in ClinVar:

NM_004035.7(ACOX1):c.*3872G>A

Gene: ACOX1 (acyl-CoA oxidase 1; minus strand). Cytogenetic location: 17q25.1.
Variant type: single nucleotide variant.
Coding change: c.*3872G>A on transcript NM_004035.7 (MANE Select); 3872 bases downstream of the stop codon, G replaced by A.
Molecular consequence: 3 prime UTR variant.
Genome position (GRCh38, 1-based): chr17:75,942,876, C>T on the plus strand (G>A on the coding strand, the complement: ACOX1 is on the minus strand). VCF-style: chr17-75942876-C-T. GRCh37 (hg19) VCF-style: chr17-73938957-C-T.
Other names: c.*3872G>A (NM_001185039.2, NM_007292.6).
Identifiers: ClinVar variation 325320 (VCV000325320.6), dbSNP rs2608880, ClinGen allele CA8776604.

ClinVar aggregate classification (germline): Benign. Review status: criteria provided, multiple submitters, no conflicts (2 of 4 stars). 2 submissions from 2 submitters: Benign (2). Last evaluated 2018-01-12.

Conditions:
Acyl-CoA oxidase deficiency. Also called: STRAIGHT-CHAIN ACYL-CoA OXIDASE DEFICIENCY; Pseudoneonatal adrenoleukodystrophy; Peroxisomal acyl-CoA oxidase deficiency. Identifiers: Orphanet 2971, MedGen C1849678, MONDO:0009919, OMIM 264470. Disease mechanism: loss of function.

Allele frequency attached by ClinVar (database versions not stated): gnomAD exomes 0.29545 and 0.32781; 1000 Genomes Project 0.45068; gnomAD 0.45235 and 0.46181; 1000 Genomes Project 30x 0.46127; TOPMed 0.47443; ExAC 0.57609.

Submissions (2):

Illumina Laboratory Services, Illumina
Classification: Benign for Acyl-CoA oxidase deficiency. Last evaluated: 2018-01-12. Review status: criteria provided, single submitter. Criteria: ICSL Variant Classification Criteria 13 December 2019. Collection method: clinical testing. Allele origin: germline.
Comment: This variant was observed in the ICSL laboratory as part of a predisposition screen in an ostensibly healthy population. It had not been previously curated by ICSL or reported in the Human Gene Mutation Database (HGMD: prior to June 1st, 2018), and was therefore a candidate for classification through an automated scoring system. Utilizing variant allele frequency, disease prevalence and penetrance estimates, and inheritance mode, an automated score was calculated to assess if this variant is too frequent to cause the disease. Based on the score and internal cut-off values, a variant classified as benign is not then subjected to further curation. The score for this variant resulted in a classification of benign for this disease.

Breakthrough Genomics
Classification: Benign. Review status: criteria provided, single submitter. Criteria: ACMG Guidelines, 2015. Collection method: not provided. Allele origin: germline. Inheritance: Autosomal recessive inheritance. Affected: yes.